The following is an entry in ClinVar:

NM_024675.4(PALB2):c.1849G>A (p.Glu617Lys)

Gene: PALB2 (partner and localizer of BRCA2; minus strand). Cytogenetic location: 16p12.2.
Variant type: single nucleotide variant.
Coding change: c.1849G>A on transcript NM_024675.4 (MANE Select); coding-DNA position 1849, G replaced by A.
Protein change: p.Glu617Lys; replaces glutamic acid 617 with lysine.
Molecular consequence: missense variant.
Genome position (GRCh38, 1-based): chr16:23,630,305, C>T on the plus strand (G>A on the coding strand, the complement: PALB2 is on the minus strand). VCF-style: chr16-23630305-C-T. GRCh37 (hg19) VCF-style: chr16-23641626-C-T.
Other names: c.1849G>A (NM_024675.3); short protein forms E617K.
Identifiers: ClinVar variation 1043852 (VCV001043852.8), dbSNP rs1966864945, ClinGen allele CA395127807.

ClinVar aggregate classification (germline): Uncertain significance. Review status: criteria provided, multiple submitters, no conflicts (2 of 4 stars). 2 submissions from 2 submitters: Uncertain significance (2). Last evaluated 2026-07-07.

Conditions:
Hereditary cancer-predisposing syndrome. Also called: Tumor predisposition; Hereditary Cancer Syndrome; Hereditary neoplastic syndrome; Neoplastic Syndromes, Hereditary. Identifiers: Orphanet 140162, MedGen C0027672, MeSH D009386, MONDO:0015356.
Familial cancer of breast. Also called: Hereditary breast cancer; hereditary breast carcinoma; BREAST CANCER, FAMILIAL. Identifiers: Orphanet 227535, MedGen C0346153, MONDO:0016419, OMIM 114480. Disease mechanism: loss of function.

Submissions (2):

Ambry Genetics
Classification: Uncertain significance for Hereditary cancer-predisposing syndrome. Last evaluated: 2026-07-07. Review status: criteria provided, single submitter. Criteria: Ambry Variant Classification Scheme 2023. Collection method: clinical testing. Allele origin: germline.
Comment: The p.E617K variant (also known as c.1849G>A), located in coding exon 5 of the PALB2 gene, results from a G to A substitution at nucleotide position 1849. The glutamic acid at codon 617 is replaced by lysine, an amino acid with similar properties. This amino acid position is conserved. In addition, this alteration is predicted to be tolerated by in silico analysis. Based on the available evidence, the clinical significance of this variant remains unclear.

Labcorp Genetics (formerly Invitae), Labcorp
Classification: Uncertain significance for Familial cancer of breast. Last evaluated: 2024-05-06. Review status: criteria provided, single submitter. Criteria: Invitae Variant Classification Sherloc (09022015). Collection method: clinical testing. Allele origin: germline.
Comment: This sequence change replaces glutamic acid, which is acidic and polar, with lysine, which is basic and polar, at codon 617 of the PALB2 protein (p.Glu617Lys). This variant is not present in population databases (gnomAD no frequency). This variant has not been reported in the literature in individuals affected with PALB2-related conditions. ClinVar contains an entry for this variant (Variation ID: 1043852). Advanced modeling of protein sequence and biophysical properties (such as structural, functional, and spatial information, amino acid conservation, physicochemical variation, residue mobility, and thermodynamic stability) performed at Invitae indicates that this missense variant is not expected to disrupt PALB2 protein function with a negative predictive value of 80%. In summary, the available evidence is currently insufficient to determine the role of this variant in disease. Therefore, it has been classified as a Variant of Uncertain Significance.